The following is an entry in ClinVar:

ClinVar aggregate classification (germline): Conflicting classifications of pathogenicity. Review status: criteria provided, conflicting classifications (1 of 4 stars). 3 submissions from 3 submitters: Uncertain significance (1); Likely benign (2). Last evaluated 2026-07-17.

Conditions:
KCNMA1-related disorder. Also called: KCNMA1-related disorders; KCNMA1-related condition.
Generalized epilepsy-paroxysmal dyskinesia syndrome (PNKD3). Also called: Generalized epilepsy and paroxysmal dyskinesia; Paroxysmal nonkinesigenic dyskinesia, 3, with or without generalized epilepsy. Identifiers: Orphanet 79137, MedGen C5574945, MONDO:0012276, OMIM 609446.

Allele frequency attached by ClinVar (database versions not stated): gnomAD 0.00004; gnomAD exomes 0.00005 and 0.00026; TOPMed 0.00009; ExAC 0.00023.
gnomAD v4.1: 86 of 1,613,938 alleles (0.0053%); highest among the groups gnomAD compares: Admixed American, 0.13%; no homozygotes.

Submissions (3):

PreventionGenetics, part of Exact Sciences
Classification: Likely benign for KCNMA1-related condition. Last evaluated: 2026-07-17. Review status: criteria provided, single submitter. Criteria: ACMG Guidelines, 2015. Collection method: clinical testing. Allele origin: germline.
Comment: This variant is classified as likely benign based on ACMG/AMP sequence variant interpretation guidelines (Richards et al. 2015 PMID: 25741868, with internal and published modifications).

Labcorp Genetics (formerly Invitae), Labcorp
Classification: Likely benign for Generalized epilepsy-paroxysmal dyskinesia syndrome. Last evaluated: 2026-01-12. Review status: criteria provided, single submitter. Criteria: Invitae Variant Classification Sherloc (09022015). Collection method: clinical testing. Allele origin: germline.

GeneDx
Classification: Uncertain significance. Last evaluated: 2022-12-15. Review status: criteria provided, single submitter. Criteria: GeneDx Variant Classification Process June 2021. Collection method: clinical testing. Allele origin: germline. Affected: yes.
Comment: In silico analysis supports that this missense variant does not alter protein structure/function; Has not been previously published as pathogenic or benign to our knowledge

NM_001161352.2(KCNMA1):c.3704G>A (p.Arg1235Gln)

Gene: KCNMA1 (potassium calcium-activated channel subfamily M alpha 1; minus strand). Cytogenetic location: 10q22.3.
Variant type: single nucleotide variant.
Coding change: c.3704G>A on transcript NM_001161352.2 (MANE Select); coding-DNA position 3704, G replaced by A.
Protein change: p.Arg1235Gln; replaces arginine 1235 with glutamine.
Molecular consequence: missense variant. On other transcripts: intron variant (7).
Genome position (GRCh38, 1-based): chr10:76,887,273, C>T on the plus strand (G>A on the coding strand, the complement: KCNMA1 is on the minus strand). VCF-style: chr10-76887273-C-T. GRCh37 (hg19) VCF-style: chr10-78647031-C-T.
Other names: c.3653G>A, p.Arg1218Gln (NM_001161353.2); c.3620G>A, p.Arg1207Gln (NM_001271519.2); c.3539G>A, p.Arg1180Gln (NM_001322836.2); c.3623G>A, p.Arg1208Gln (NM_001322837.2); c.3530G>A, p.Arg1177Gln (NM_002247.4); c.3362+18G>A (NM_001271518.2); c.3512+18G>A (NM_001322832.2); c.3521+18G>A (NM_001322829.2); and 4 more; short protein forms R1177Q, R1180Q, R1218Q, R1207Q, R1208Q, R1235Q.
Identifiers: ClinVar variation 772727 (VCV000772727.16), dbSNP rs75843969, ClinGen allele CA5567784.
Genomic context (GRCh38, chr10:76,887,273, plus strand): 5'-CTGGGGAAATGAGTGGCAGATACAGTTTCACACAGTGGCGGTGGATACACATATCAAAGC[C>T]GCTCTTCCTGCACGTACTTCTGTTTGTCCCGGGACTCCCTGGACTTGGGCCGGTTCTGTC-3'
Protein context (NP_001154824.1, residues 1225-1236): RDKQKYVQEE[Arg1235Gln]L